The following is an entry in ClinVar:

ClinVar aggregate classification (germline): Conflicting classifications of pathogenicity. Review status: criteria provided, conflicting classifications (1 of 4 stars). 4 submissions from 4 submitters: Uncertain significance (2); Likely benign (1). 1 of the submissions does not count toward it. Last evaluated 2025-05-28.

Conditions:
Autosomal recessive limb-girdle muscular dystrophy type 2A (LGMDR1). Also called: LEYDEN-MOEBIUS MUSCULAR DYSTROPHY; MUSCULAR DYSTROPHY, PELVOFEMORAL; Limb-girdle muscular dystrophy, type 2A; Muscular dystrophy, limb-girdle, type 2A, Amish; Calpainopathy. Identifiers: Orphanet 267, MedGen C1869123, MONDO:0009675, OMIM 253600. Disease mechanism: loss of function.
Inborn genetic diseases. Identifiers: MedGen C0950123, MeSH D030342.

Allele frequency attached by ClinVar (database versions not stated): gnomAD exomes below 0.00001 and 0.00001; TOPMed 0.00001; ExAC 0.00005.
gnomAD v4.1: 7 of 1,556,574 alleles (0.00045%); highest among the groups gnomAD compares: African/African-American, 0.0027%; no homozygotes.

Submissions (4):

Ambry Genetics
Classification: Likely benign for Inborn genetic diseases. Last evaluated: 2025-05-28. Review status: criteria provided, single submitter. Criteria: Ambry Variant Classification Scheme 2023. Collection method: clinical testing. Allele origin: germline.

Labcorp Genetics (formerly Invitae), Labcorp
Classification: Uncertain significance for Autosomal recessive limb-girdle muscular dystrophy type 2A. Last evaluated: 2024-11-05. Review status: criteria provided, single submitter. Criteria: Invitae Variant Classification Sherloc (09022015). Collection method: clinical testing. Allele origin: germline.
Comment: This sequence change replaces proline, which is neutral and non-polar, with leucine, which is neutral and non-polar, at codon 345 of the CAPN3 protein (p.Pro345Leu). The frequency data for this variant in the population databases is considered unreliable, as metrics indicate poor data quality at this position in the gnomAD database. This variant has not been reported in the literature in individuals affected with CAPN3-related conditions. ClinVar contains an entry for this variant (Variation ID: 969472). Invitae Evidence Modeling of protein sequence and biophysical properties (such as structural, functional, and spatial information, amino acid conservation, physicochemical variation, residue mobility, and thermodynamic stability) indicates that this missense variant is not expected to disrupt CAPN3 protein function with a negative predictive value of 80%. In summary, the available evidence is currently insufficient to determine the role of this variant in disease. Therefore, it has been classified as a Variant of Uncertain Significance.

Revvity Omics, Revvity
Classification: Uncertain significance. Last evaluated: 2019-10-28. Review status: criteria provided, single submitter. Criteria: ACMG Guidelines, 2015. Collection method: clinical testing. Allele origin: germline.

Natera, Inc.
Classification: Uncertain significance for Limb-girdle muscular dystrophy type 2A. Last evaluated: 2020-07-07. Review status: no assertion criteria provided. Collection method: clinical testing. Allele origin: germline. Not counted in ClinVar's aggregate classification.

NM_000070.3(CAPN3):c.1034C>T (p.Pro345Leu)

Gene: CAPN3 (calpain 3; plus strand). Cytogenetic location: 15q15.1.
Variant type: single nucleotide variant.
Coding change: c.1034C>T on transcript NM_000070.3 (MANE Select); coding-DNA position 1034, C replaced by T.
Protein change: p.Pro345Leu; replaces proline 345 with leucine.
Molecular consequence: missense variant.
Genome position (GRCh38, 1-based): chr15:42,394,260, C>T. VCF-style: chr15-42394260-C-T. GRCh37 (hg19) VCF-style: chr15-42686458-C-T.
Other names: c.1034C>T, p.Pro345Leu (NM_024344.2); c.890C>T, p.Pro297Leu (NM_173087.2); short protein forms P345L, P297L.
Identifiers: ClinVar variation 969472 (VCV000969472.15), dbSNP rs746311413, ClinGen allele CA7511232.